The following is an entry in ClinVar:

ClinVar aggregate classification (germline): Uncertain significance. Review status: criteria provided, multiple submitters, no conflicts (2 of 4 stars). 2 submissions from 2 submitters: Uncertain significance (2). Last evaluated 2025-09-29.

Conditions:
Hereditary cancer-predisposing syndrome. Also called: Neoplastic Syndromes, Hereditary; Hereditary neoplastic syndrome; Hereditary Cancer Syndrome; Tumor predisposition. Identifiers: Orphanet 140162, MedGen C0027672, MeSH D009386, MONDO:0015356.
Gastrointestinal stromal tumor. Also called: Gastrointestinal stromal tumor, somatic; Gastrointestinal stroma tumor. Identifiers: Orphanet 44890, MedGen C0238198, MeSH D046152, MONDO:0011719, OMIM 606764, HP:0100723.

Submissions (2):

Labcorp Genetics (formerly Invitae), Labcorp
Classification: Uncertain significance for Gastrointestinal stromal tumor. Last evaluated: 2025-09-29. Review status: criteria provided, single submitter. Criteria: Invitae Variant Classification Sherloc (09022015). Collection method: clinical testing. Allele origin: germline.
Comment: This sequence change replaces glycine, which is neutral and non-polar, with cysteine, which is neutral and slightly polar, at codon 1006 of the PDGFRA protein (p.Gly1006Cys). This variant is not present in population databases (gnomAD no frequency). This variant has not been reported in the literature in individuals affected with PDGFRA-related conditions. ClinVar contains an entry for this variant (Variation ID: 1798862). An algorithm developed to predict the effect of missense changes on protein structure and function (PolyPhen-2) suggests that this variant is likely to be disruptive. In summary, the available evidence is currently insufficient to determine the role of this variant in disease. Therefore, it has been classified as a Variant of Uncertain Significance.

Ambry Genetics
Classification: Uncertain significance for Hereditary cancer-predisposing syndrome. Last evaluated: 2021-11-14. Review status: criteria provided, single submitter. Criteria: Ambry Variant Classification Scheme 2023. Collection method: clinical testing. Allele origin: germline.
Comment: The p.G1006C variant (also known as c.3016G>T), located in coding exon 21 of the PDGFRA gene, results from a G to T substitution at nucleotide position 3016. The glycine at codon 1006 is replaced by cysteine, an amino acid with highly dissimilar properties. This amino acid position is conserved. In addition, the in silico prediction for this alteration is inconclusive. Since supporting evidence is limited at this time, the clinical significance of this alteration remains unclear.

NM_006206.6(PDGFRA):c.3016G>T (p.Gly1006Cys)

Gene: PDGFRA (platelet derived growth factor receptor alpha; plus strand). Cytogenetic location: 4q12.
Variant type: single nucleotide variant.
Coding change: c.3016G>T on transcript NM_006206.6 (MANE Select); coding-DNA position 3016, G replaced by T.
Protein change: p.Gly1006Cys; replaces glycine 1006 with cysteine.
Molecular consequence: missense variant.
Genome position (GRCh38, 1-based): chr4:54,290,448, G>T. VCF-style: chr4-54290448-G-T. GRCh37 (hg19) VCF-style: chr4-55156615-G-T.
Other names: c.3091G>T, p.Gly1031Cys (NM_001347828.2); c.3016G>T, p.Gly1006Cys (NM_001347829.2); c.3055G>T, p.Gly1019Cys (NM_001347830.2); short protein forms G1019C, G1006C, G1031C.
Identifiers: ClinVar variation 1798862 (VCV001798862.3), dbSNP rs2110348661, ClinGen allele CA356896195.